The following is an entry in ClinVar:

NM_000278.5(PAX2):c.959dup (p.His321fs)

Gene: PAX2 (paired box 2; plus strand). Cytogenetic location: 10q24.31.
Variant type: Duplication.
Coding change: c.959dup on transcript NM_000278.5 (MANE Select); coding-DNA position 959, one base duplicated (C; older notation c.959dupC).
Protein change: p.His321fs; shifts the reading frame from histidine 321.
Molecular consequence: frameshift variant.
Genome position (GRCh38, 1-based): chr10:100,824,687, C duplicated; the last of 6 consecutive C bases (chr10:100,824,682-100,824,687); duplicating any one gives the same sequence. VCF-style (leftmost placement, unchanged base first): chr10-100824681-A-AC. GRCh37 (hg19) VCF-style: chr10-102584438-A-AC.
Other names: c.1052dup, p.His352fs (NM_001304569.2); c.1028dup, p.His344fs (NM_003987.5, NM_003990.5); c.959dup, p.His321fs (NM_003988.5, NM_003989.5); short protein forms H321fs, H344fs, H352fs.
Identifiers: ClinVar variation 3342280 (VCV003342280.1).
Genomic context (GRCh38, chr10:100,824,681, plus strand): 5'-CACCCCTTCCCCTTTGTGTTTTTCCAGGTCGTGACATGGCGAGCACCACTCTGCCTGGTT[A>AC]CCCCCCTCACGTGCCCCCCACTGGCCAGGGAAGCTACCCCACCTCCACCCTGGCAGGAAT-3'

ClinVar aggregate classification (germline): Likely pathogenic (1 of 4 stars; one submission).

Conditions:
Focal segmental glomerulosclerosis 7 (FSGS7). Identifiers: Orphanet 656, MedGen C4014925, MONDO:0014451, OMIM 616002.

Submission:

MVZ Medizinische Genetik Mainz
Classification: Likely pathogenic for Focal segmental glomerulosclerosis 7. Last evaluated: 2024-09-04. Review status: criteria provided, single submitter. Criteria: UK Practice Guidelines For Variant Classification V4 01 2020. Collection method: clinical testing. Allele origin: germline. Inheritance: Autosomal dominant inheritance. Affected: yes. Observed: 1 variant allele.
Comment: ACMG Criteria: PVS1,PM2_SUP